The following is an entry in ClinVar:

NM_001145809.2(MYH14):c.5226C>A (p.Gly1742=)

Gene: MYH14 (myosin heavy chain 14; plus strand). Cytogenetic location: 19q13.33.
Variant type: single nucleotide variant.
Coding change: c.5226C>A on transcript NM_001145809.2 (MANE Select); coding-DNA position 5226, C replaced by A.
Protein change: p.Gly1742=; no amino-acid change (glycine 1742 retained).
Molecular consequence: synonymous variant.
Genome position (GRCh38, 1-based): chr19:50,292,359, C>A. VCF-style: chr19-50292359-C-A. GRCh37 (hg19) VCF-style: chr19-50795616-C-A.
Other names: c.5127C>A, p.Gly1709= (NM_001077186.2); c.5103C>A, p.Gly1701= (NM_024729.4).
Identifiers: ClinVar variation 3898404 (VCV003898404.7).
Genomic context (GRCh38, chr19:50,292,359, plus strand): 5'-ACGCACCTCCCGGGAGGAGATCTTCTCCCAGAATCGGGAAAGTGAAAAGCGCCTCAAGGG[C>A]CTGGAGGCTGAGGTGCTGCGGCTGCAGGAGGTGAGGCTGGGGTAGGCTGGGCCCTGGGAC-3'
Protein context (NP_001139281.1, residues 1732-1752): QNRESEKRLK[Gly1742=]LEAEVLRLQE

ClinVar aggregate classification (germline): Likely benign (1 of 4 stars; one submission).

Submission:

CeGaT Center for Human Genetics Tuebingen
Classification: Likely benign. Last evaluated: 2025-04-01. Review status: criteria provided, single submitter. Criteria: CeGaT Center For Human Genetics Tuebingen Variant Classification Criteria Version 2. Collection method: clinical testing. Allele origin: germline. Affected: yes. Observed: 1 variant allele.
Comment: MYH14: PM2:Supporting, BP4, BP7